The following is an entry in ClinVar:

NM_006231.4(POLE):c.2252A>G (p.Asn751Ser)

Gene: POLE (DNA polymerase epsilon, catalytic subunit; minus strand). Cytogenetic location: 12q24.33.
Variant type: single nucleotide variant.
Coding change: c.2252A>G on transcript NM_006231.4 (MANE Select); coding-DNA position 2252, A replaced by G.
Protein change: p.Asn751Ser; replaces asparagine 751 with serine.
Molecular consequence: missense variant.
Genome position (GRCh38, 1-based): chr12:132,667,570, T>C on the plus strand (A>G on the coding strand, the complement: POLE is on the minus strand). VCF-style: chr12-132667570-T-C. GRCh37 (hg19) VCF-style: chr12-133244156-T-C.
Other names: short protein forms N751S.
Identifiers: ClinVar variation 1788449 (VCV001788449.2), dbSNP rs763810721, ClinGen allele CA6893620.

ClinVar aggregate classification (germline): Uncertain significance (1 of 4 stars; one submission).

Conditions:
Hereditary cancer-predisposing syndrome. Also called: Neoplastic Syndromes, Hereditary; Tumor predisposition; Hereditary Cancer Syndrome; Hereditary neoplastic syndrome. Identifiers: Orphanet 140162, MedGen C0027672, MeSH D009386, MONDO:0015356.

Allele frequency attached by ClinVar (database versions not stated): gnomAD exomes below 0.00001; ExAC 0.00001.
gnomAD v4.1: 4 of 1,612,270 alleles (0.00025%); highest among the groups gnomAD compares: Non-Finnish European, 0.00034%; no homozygotes.

Submission:

Ambry Genetics
Classification: Uncertain significance for Hereditary cancer-predisposing syndrome. Last evaluated: 2022-07-15. Review status: criteria provided, single submitter. Criteria: Ambry Variant Classification Scheme 2023. Collection method: clinical testing. Allele origin: germline.
Comment: The p.N751S variant (also known as c.2252A>G), located in coding exon 20 of the POLE gene, results from an A to G substitution at nucleotide position 2252. The asparagine at codon 751 is replaced by serine, an amino acid with highly similar properties. This amino acid position is conserved. In addition, this alteration is predicted to be tolerated by in silico analysis. Since supporting evidence is limited at this time, the clinical significance of this alteration remains unclear.